The following is an entry in ClinVar:

ClinVar aggregate classification (germline): Conflicting classifications of pathogenicity. Review status: criteria provided, conflicting classifications (1 of 4 stars). 4 submissions from 4 submitters: Uncertain significance (3); Likely benign (1). Last evaluated 2026-02-03.

Conditions:
Cardiomyopathy, familial hypertrophic 27. Identifiers: MedGen C4748014, MONDO:0054838, OMIM 618052.
Cardiovascular phenotype. Identifiers: MedGen CN230736.
ALPK3-related disorder. Also called: ALPK3-related condition.

Allele frequency attached by ClinVar (database versions not stated): gnomAD exomes 0.00001 and 0.00008; ExAC 0.00002; gnomAD 0.00003 and 0.00004; TOPMed 0.00005; ESP Exome Variant Server 0.00008.
gnomAD v4.1: 113 of 1,614,032 alleles (0.007%); highest among the groups gnomAD compares: Non-Finnish European, 0.0094%; no homozygotes.

Submissions (4):

PreventionGenetics, part of Exact Sciences
Classification: Uncertain significance for ALPK3-related condition. Last evaluated: 2026-02-03. Review status: criteria provided, single submitter. Criteria: ACMG Guidelines, 2015. Collection method: clinical testing. Allele origin: germline.
Comment: The ALPK3 c.4806C>G variant is predicted to result in the amino acid substitution p.Asp1602Glu. To our knowledge, this variant has not been reported in the literature. This variant is reported in 0.0040% of alleles in individuals of African descent in gnomAD. At this time, the clinical significance of this variant is uncertain due to the absence of conclusive functional and genetic evidence.

Ambry Genetics
Classification: Likely benign for Cardiovascular phenotype. Last evaluated: 2025-09-26. Review status: criteria provided, single submitter. Criteria: Ambry Variant Classification Scheme 2023. Collection method: clinical testing. Allele origin: germline.

Labcorp Genetics (formerly Invitae), Labcorp
Classification: Uncertain significance. Last evaluated: 2025-08-30. Review status: criteria provided, single submitter. Criteria: Invitae Variant Classification Sherloc (09022015). Collection method: clinical testing. Allele origin: germline.
Comment: This sequence change replaces aspartic acid, which is acidic and polar, with glutamic acid, which is acidic and polar, at codon 1602 of the ALPK3 protein (p.Asp1602Glu). This variant is present in population databases (rs372818428, gnomAD 0.004%). This variant has not been reported in the literature in individuals affected with ALPK3-related conditions. ClinVar contains an entry for this variant (Variation ID: 1385771). Invitae Evidence Modeling of protein sequence and biophysical properties (such as structural, functional, and spatial information, amino acid conservation, physicochemical variation, residue mobility, and thermodynamic stability) indicates that this missense variant is expected to disrupt ALPK3 protein function with a positive predictive value of 80%. In summary, the available evidence is currently insufficient to determine the role of this variant in disease. Therefore, it has been classified as a Variant of Uncertain Significance.

Revvity Omics, Revvity
Classification: Uncertain significance for Cardiomyopathy, familial hypertrophic 27. Last evaluated: 2019-08-08. Review status: criteria provided, single submitter. Criteria: ACMG Guidelines, 2015. Collection method: clinical testing. Allele origin: germline.

NM_020778.5(ALPK3):c.4200C>G (p.Asp1400Glu)

Gene: ALPK3 (alpha kinase 3; plus strand). Cytogenetic location: 15q25.3.
Variant type: single nucleotide variant.
Coding change: c.4200C>G on transcript NM_020778.5 (MANE Select); coding-DNA position 4200, C replaced by G.
Protein change: p.Asp1400Glu; replaces aspartic acid 1400 with glutamic acid.
Molecular consequence: missense variant.
Genome position (GRCh38, 1-based): chr15:84,862,705, C>G. VCF-style: chr15-84862705-C-G. GRCh37 (hg19) VCF-style: chr15-85405936-C-G.
Other names: short protein forms D1400E.
Identifiers: ClinVar variation 1385771 (VCV001385771.12), dbSNP rs372818428, ClinGen allele CA7709899.